The following is an entry in ClinVar:

ClinVar aggregate classification (germline): Uncertain significance. Review status: criteria provided, single submitter (1 of 4 stars). 2 submissions from 2 submitters: Uncertain significance (1). 1 of the submissions does not count toward it. Last evaluated 2023-03-30.

Conditions:
Scapulohumeral muscular dystrophy. Identifiers: Orphanet 269, MedGen C0410192, MONDO:0010884, OMIM 600416, HP:0008970.
Facioscapulohumeral muscular dystrophy 2 (FSHD2). Also called: FACIOSCAPULOHUMERAL MUSCULAR DYSTROPHY 2, DIGENIC; FSHD2, DIGENIC; MUSCULAR DYSTROPHY, FACIOSCAPULOHUMERAL, TYPE 1B. Identifiers: Orphanet 269, MedGen C1834671, MONDO:0008031, OMIM 158901.

Submissions (2):

Molecular Genetics, Royal Melbourne Hospital
Classification: Uncertain significance for Facioscapulohumeral muscular dystrophy 2. Last evaluated: 2023-03-30. Review status: criteria provided, single submitter. Criteria: ACMG Guidelines, 2015. Collection method: clinical testing. Allele origin: germline. Affected: yes.
Comment: This sequence change is predicted to replace aspartic acid with tyrosine at codon 1177 of the SMCHD1 protein (p.(Asp1177Tyr)). The aspartic acid residue is very highly conserved (invariant across species, 100 vertebrates, UCSC), and is not located in an annotated domain. There is a large physicochemical difference between aspartic acid and tyrosine. The variant is absent from a large population cohort (rs1568280995, gnomAD v2.1.1 and v3). This variant has been previously reported as likely pathogenic in ClinVar without supporting evidence, and reported in a dissertation thesis where it was associated with hypomethylation at the D4Z4 locus. Multiple lines of computational evidence predict a deleterious effect for the missense substitution (5/6 algorithms). Based on current information and the classification scheme RMH ACMG Guidelines v1.2.1, this variant is classified as a VARIANT OF UNCERTAIN SIGNIFICANCE. The following criteria are met: PM2, PP3, PP4.

Institute of Human Genetics, University of Wuerzburg
Classification: Likely pathogenic for Scapulohumeral muscular dystrophy. Review status: no assertion criteria provided. Collection method: clinical testing. Allele origin: unknown. Not counted in ClinVar's aggregate classification.

NM_015295.3(SMCHD1):c.3529G>T (p.Asp1177Tyr)

Gene: SMCHD1 (structural maintenance of chromosomes flexible hinge domain containing 1; plus strand). Cytogenetic location: 18p11.32.
Variant type: single nucleotide variant.
Coding change: c.3529G>T on transcript NM_015295.3 (MANE Select); coding-DNA position 3529, G replaced by T.
Protein change: p.Asp1177Tyr; replaces aspartic acid 1177 with tyrosine.
Molecular consequence: missense variant.
Genome position (GRCh38, 1-based): chr18:2,740,717, G>T. VCF-style: chr18-2740717-G-T. GRCh37 (hg19) VCF-style: chr18-2740715-G-T.
Other names: short protein forms D1177Y.
Identifiers: ClinVar variation 560349 (VCV000560349.3), dbSNP rs1568280995, ClinGen allele CA401688316.